The following is an entry in ClinVar:

ClinVar aggregate classification (germline): Likely benign. Review status: criteria provided, single submitter (1 of 4 stars). 2 submissions from 2 submitters: Likely benign (1). 1 of the submissions does not count toward it. Last evaluated 2017-10-17.

Conditions:
PIEZO1-related disorder. Also called: PIEZO1-Related Disorders; PIEZO1-related condition.

Allele frequency attached by ClinVar (database versions not stated): TOPMed 0.00006; gnomAD 0.00007 and 0.00005; gnomAD exomes 0.00009 and 0.00003; ExAC 0.00018; 1000 Genomes Project 30x 0.00047; 1000 Genomes Project 0.00060.
gnomAD v4.1: 49 of 1,538,452 alleles (0.0032%); highest among the groups gnomAD compares: African/African-American, 0.016%; no homozygotes.

Submissions (2):

Labcorp Genetics (formerly Invitae), Labcorp
Classification: Likely benign. Last evaluated: 2017-10-17. Review status: criteria provided, single submitter. Criteria: Invitae Variant Classification Sherloc (09022015). Collection method: clinical testing. Allele origin: germline.

PreventionGenetics, part of Exact Sciences
Classification: Likely benign for PIEZO1-related condition. Last evaluated: 2019-08-02. Review status: no assertion criteria provided. Collection method: clinical testing. Allele origin: germline. Not counted in ClinVar's aggregate classification.
Comment: This variant is classified as likely benign based on ACMG/AMP sequence variant interpretation guidelines (Richards et al. 2015 PMID: 25741868, with internal and published modifications).

NM_001142864.4(PIEZO1):c.4719C>T (p.Ala1573=)

Gene: PIEZO1 (piezo type mechanosensitive ion channel component 1 (Er blood group); minus strand). Cytogenetic location: 16q24.3.
Variant type: single nucleotide variant.
Coding change: c.4719C>T on transcript NM_001142864.4 (MANE Select); coding-DNA position 4719, C replaced by T.
Protein change: p.Ala1573=; no amino-acid change (alanine 1573 retained).
Molecular consequence: synonymous variant.
Genome position (GRCh38, 1-based): chr16:88,722,639, G>A on the plus strand (C>T on the coding strand, the complement: PIEZO1 is on the minus strand). VCF-style: chr16-88722639-G-A. GRCh37 (hg19) VCF-style: chr16-88789047-G-A.
Identifiers: ClinVar variation 708738 (VCV000708738.5), dbSNP rs552592333, ClinGen allele CA8232063.